The following is an entry in ClinVar:

ClinVar aggregate classification (germline): Uncertain significance (1 of 4 stars; one submission).

Submission:

Labcorp Genetics (formerly Invitae), Labcorp
Classification: Uncertain significance. Last evaluated: 2022-08-15. Review status: criteria provided, single submitter. Criteria: Invitae Variant Classification Sherloc (09022015). Collection method: clinical testing. Allele origin: germline.
Comment: Algorithms developed to predict the effect of missense changes on protein structure and function are either unavailable or do not agree on the potential impact of this missense change (SIFT: "Deleterious"; PolyPhen-2: "Probably Damaging"; Align-GVGD: "Class C0"). This sequence change replaces arginine, which is basic and polar, with serine, which is neutral and polar, at codon 172 of the RGS9 protein (p.Arg172Ser). This variant is not present in population databases (gnomAD no frequency). This variant has not been reported in the literature in individuals affected with RGS9-related conditions. ClinVar contains an entry for this variant (Variation ID: 1022683). In summary, the available evidence is currently insufficient to determine the role of this variant in disease. Therefore, it has been classified as a Variant of Uncertain Significance.

NM_003835.4(RGS9):c.516G>C (p.Arg172Ser)

Gene: RGS9 (regulator of G protein signaling 9; plus strand). Cytogenetic location: 17q24.1.
Variant type: single nucleotide variant.
Coding change: c.516G>C on transcript NM_003835.4 (MANE Select); coding-DNA position 516, G replaced by C.
Protein change: p.Arg172Ser; replaces arginine 172 with serine.
Molecular consequence: missense variant.
Genome position (GRCh38, 1-based): chr17:65,168,215, G>C. VCF-style: chr17-65168215-G-C. GRCh37 (hg19) VCF-style: chr17-63164333-G-C.
Other names: c.516G>C, p.Arg172Ser (NM_001081955.3, NM_001165933.2); short protein forms R172S.
Identifiers: ClinVar variation 1022683 (VCV001022683.8), dbSNP rs1911270137, ClinGen allele CA400666333.
Genomic context (GRCh38, chr17:65,168,215, plus strand): 5'-GACACAAAGTCTTCCTGGCCTTACACGTGGCTTTTGGCTTTCCAGGGCTGGAAAGGAGAG[G>C]AACAAAGCAGACAGATATGCCCTGGACTGCCAGGAGAAGGCATACTGGCTGGTGCACCGA-3'
Protein context (NP_003826.2, residues 162-182): AKEQYRAGKE[Arg172Ser]NKADRYALDC